The following is an entry in ClinVar:

ClinVar aggregate classification (germline): Benign. Review status: criteria provided, multiple submitters, no conflicts (2 of 4 stars). 3 submissions from 3 submitters: Benign (2). 1 of the submissions does not count toward it. Last evaluated 2026-01-27.

Conditions:
EXOC6B-related disorder. Also called: EXOC6B-related condition.

Allele frequency attached by ClinVar (database versions not stated): gnomAD exomes 0.00116 and 0.00256; ExAC 0.00323; 1000 Genomes Project 0.00998; 1000 Genomes Project 30x 0.00999; gnomAD 0.01026 and 0.01122; TOPMed 0.01138; ESP Exome Variant Server 0.01165.
gnomAD v4.1: 3,308 of 1,604,358 alleles (0.21%); highest among the groups gnomAD compares: African/African-American, 3.7%; 77 homozygotes.

Submissions (3):

Labcorp Genetics (formerly Invitae), Labcorp
Classification: Benign. Last evaluated: 2026-01-27. Review status: criteria provided, single submitter. Criteria: Invitae Variant Classification Sherloc (09022015). Collection method: clinical testing. Allele origin: germline.

Breakthrough Genomics
Classification: Benign. Review status: criteria provided, single submitter. Criteria: ACMG Guidelines, 2015. Collection method: not provided. Allele origin: germline. Inheritance: Autosomal recessive inheritance. Affected: yes.

PreventionGenetics, part of Exact Sciences
Classification: Benign for EXOC6B-related condition. Last evaluated: 2019-08-13. Review status: no assertion criteria provided. Collection method: clinical testing. Allele origin: germline. Not counted in ClinVar's aggregate classification.
Comment: This variant is classified as benign based on ACMG/AMP sequence variant interpretation guidelines (Richards et al. 2015 PMID: 25741868, with internal and published modifications).

NM_015189.3(EXOC6B):c.846+3A>G

Gene: EXOC6B (exocyst complex component 6B; minus strand). Cytogenetic location: 2p13.2.
Variant type: single nucleotide variant.
Coding change: c.846+3A>G on transcript NM_015189.3 (MANE Select); 3 bases into the intron after coding-DNA position 846, A replaced by G.
Molecular consequence: intron variant.
Genome position (GRCh38, 1-based): chr2:72,575,489, T>C on the plus strand (A>G on the coding strand, the complement: EXOC6B is on the minus strand). VCF-style: chr2-72575489-T-C. GRCh37 (hg19) VCF-style: chr2-72802618-T-C.
Other names: c.507+3A>G (NM_001321734.2); c.846+3A>G (NM_001321733.2, NM_001321730.2, NM_001321729.2 and 2 more transcripts).
Identifiers: ClinVar variation 775735 (VCV000775735.13), dbSNP rs75680051, ClinGen allele CA1708652.